The following is an entry in ClinVar:

NM_006017.3(PROM1):c.2362_2372del (p.Ile788fs)

Gene: PROM1 (prominin 1; minus strand). Cytogenetic location: 4p15.32.
Variant type: Deletion.
Coding change: c.2362_2372del on transcript NM_006017.3 (MANE Select); coding-DNA positions 2362 to 2372, 11 bases deleted (ATCGACCCCTT).
Protein change: p.Ile788fs; shifts the reading frame from isoleucine 788.
Molecular consequence: frameshift variant.
Genome position (GRCh38, 1-based): chr4:15,984,264-15,984,274, AAGGGGTCGAT deleted on the plus strand (ATCGACCCCTT on the coding strand, the reverse complement: PROM1 is on the minus strand); deleting any 11 consecutive bases within chr4:15,984,264-15,984,276 gives the same sequence; the c. name uses the placement nearest the transcript's 3' end. VCF-style (leftmost placement, unchanged base first): chr4-15984263-CAAGGGGTCGAT-C. GRCh37 (hg19) VCF-style: chr4-15985886-CAAGGGGTCGAT-C.
Other names: c.2335_2345del, p.Ile779fs (NM_001145847.2, NM_001145848.2, NM_001145851.2 and 4 more transcripts); c.2362_2372del, p.Ile788fs (NM_001145849.2, NM_001145850.2); short protein forms I779fs, I788fs.
Identifiers: ClinVar variation 938227 (VCV000938227.8), dbSNP rs778618612, ClinGen allele CA2866413.

ClinVar aggregate classification (germline): Pathogenic. Review status: criteria provided, multiple submitters, no conflicts (2 of 4 stars). 2 submissions from 2 submitters: Pathogenic (2). Last evaluated 2024-06-05.

Conditions:
Retinal dystrophy. Also called: Inherited retinal dystrophy. Identifiers: Orphanet 71862, MedGen C0854723, MeSH D058499, MONDO:0019118, HP:0000556.

Submissions (2):

Labcorp Genetics (formerly Invitae), Labcorp
Classification: Pathogenic. Last evaluated: 2024-06-05. Review status: criteria provided, single submitter. Criteria: Invitae Variant Classification Sherloc (09022015). Collection method: clinical testing. Allele origin: germline.
Comment: This sequence change creates a premature translational stop signal (p.Ile788Glufs*26) in the PROM1 gene. It is expected to result in an absent or disrupted protein product. Loss-of-function variants in PROM1 are known to be pathogenic (PMID: 17605048, 19718270, 24154662, 25474345). This variant is not present in population databases (gnomAD no frequency). This variant has not been reported in the literature in individuals affected with PROM1-related conditions. ClinVar contains an entry for this variant (Variation ID: 938227). For these reasons, this variant has been classified as Pathogenic.

Institute of Human Genetics, Univ. Regensburg, Univ. Regensburg
Classification: Pathogenic for Retinal dystrophy. Last evaluated: 2021-01-01. Review status: criteria provided, single submitter. Criteria: ACMG Guidelines, 2015. Collection method: clinical testing. Allele origin: germline. Affected: yes.

Literature cited by the submitters: PubMed 17605048 (cited by Labcorp Genetics (formerly Invitae), Labcorp); PubMed 19718270 (cited by Labcorp Genetics (formerly Invitae), Labcorp); PubMed 24154662 (cited by Labcorp Genetics (formerly Invitae), Labcorp); PubMed 25474345 (cited by Labcorp Genetics (formerly Invitae), Labcorp); PubMed 32531858 (cited by Institute of Human Genetics, Univ. Regensburg, Univ. Regensburg).